The following is an entry in ClinVar:

ClinVar aggregate classification (germline): Benign/Likely benign. Review status: criteria provided, multiple submitters, no conflicts (2 of 4 stars). 5 submissions from 5 submitters: Benign (1); Likely benign (4). Last evaluated 2025-01-01.

Conditions:
Occult macular dystrophy (OCMD). Also called: OMD; OCCULT MACULAR DYSTROPHY, SUSCEPTIBILITY TO. Identifiers: Orphanet 247834, MedGen C3150833, MONDO:0013316, OMIM 613587, HP:0030636.
Retinitis pigmentosa 88. Identifiers: MedGen C5394208, MONDO:0032940, OMIM 618826.
Retinal dystrophy. Also called: Inherited retinal dystrophy. Identifiers: Orphanet 71862, MedGen C0854723, MeSH D058499, MONDO:0019118, HP:0000556.

Allele frequency attached by ClinVar (database versions not stated): ESP Exome Variant Server 0.00066; 1000 Genomes Project 0.00100; TOPMed 0.00100; 1000 Genomes Project 30x 0.00172.
gnomAD v4.1: 2,089 of 1,611,916 alleles (0.13%); highest among the groups gnomAD compares: Admixed American, 0.16%; 1 homozygote.

Submissions (5):

CeGaT Center for Human Genetics Tuebingen
Classification: Likely benign. Last evaluated: 2025-01-01. Review status: criteria provided, single submitter. Criteria: CeGaT Center For Human Genetics Tuebingen Variant Classification Criteria Version 2. Collection method: clinical testing. Allele origin: germline. Affected: yes. Observed: 1 variant allele.
Comment: RP1L1: BP4, BP7

Blueprint Genetics
Classification: Likely benign. Last evaluated: 2024-11-12. Review status: criteria provided, single submitter. Criteria: ACMG Guidelines, 2015. Collection method: clinical testing. Allele origin: germline.

Dept Of Ophthalmology, Nagoya University
Classification: Likely benign for Retinal dystrophy. Last evaluated: 2023-10-01. Review status: criteria provided, single submitter. Criteria: Submitter's publication. Collection method: research. Allele origin: germline. Affected: yes.

Fulgent Genetics
Classification: Likely benign for Occult macular dystrophy; Retinitis pigmentosa 88. Last evaluated: 2021-11-23. Review status: criteria provided, single submitter. Criteria: ACMG Guidelines, 2015. Collection method: clinical testing. Allele origin: unknown.

Illumina Laboratory Services, Illumina
Classification: Benign for Occult macular dystrophy. Last evaluated: 2018-01-12. Review status: criteria provided, single submitter. Criteria: ICSL Variant Classification Criteria 13 December 2019. Collection method: clinical testing. Allele origin: germline.
Comment: This variant was observed in the ICSL laboratory as part of a predisposition screen in an ostensibly healthy population. It had not been previously curated by ICSL or reported in the Human Gene Mutation Database (HGMD: prior to June 1st, 2018), and was therefore a candidate for classification through an automated scoring system. Utilizing variant allele frequency, disease prevalence and penetrance estimates, and inheritance mode, an automated score was calculated to assess if this variant is too frequent to cause the disease. Based on the score and internal cut-off values, a variant classified as benign is not then subjected to further curation. The score for this variant resulted in a classification of benign for this disease.

NM_178857.6(RP1L1):c.2499G>A (p.Pro833=)

Gene: RP1L1 (RP1 like 1). Cytogenetic location: 8p23.1.
Variant type: single nucleotide variant.
Coding change: c.2499G>A on transcript NM_178857.6 (MANE Select); coding-DNA position 2499, G replaced by A.
Protein change: p.Pro833=; no amino-acid change (proline 833 retained).
Molecular consequence: synonymous variant.
Genome position (GRCh38, 1-based): chr8:10,611,599, C>T on the plus strand (G>A on the coding strand, the complement: RP1L1 is on the minus strand). VCF-style: chr8-10611599-C-T. GRCh37 (hg19) VCF-style: chr8-10469109-C-T.
Identifiers: ClinVar variation 361342 (VCV000361342.21), dbSNP rs373310698, ClinGen allele CA4624805.
Genomic context (GRCh38, chr8:10,611,599, plus strand): 5'-ACAGTACCTGCCACACAGCCAGCTAGCCTCAGGGGAGGGTCCCCGCTGGGCCTCTTGGGC[C>T]GGCTGCGTCCCAGGCTGTGAGCAGCAGTGGCTTCGGTGGGGGCCCACCGCCCCTTGCTCA-3'
Protein context (NP_849188.4, residues 823-843): SHCCSQPGTQ[Pro833=]AQEAQRGPSP